The following is an entry in ClinVar:

NM_000256.3(MYBPC3):c.1639G>A (p.Val547Met)

Gene: MYBPC3 (myosin binding protein C3; minus strand). Cytogenetic location: 11p11.2.
Variant type: single nucleotide variant.
Coding change: c.1639G>A on transcript NM_000256.3 (MANE Select); coding-DNA position 1639, G replaced by A.
Protein change: p.Val547Met; replaces valine 547 with methionine.
Molecular consequence: missense variant.
Genome position (GRCh38, 1-based): chr11:47,342,142, C>T on the plus strand (G>A on the coding strand, the complement: MYBPC3 is on the minus strand). VCF-style: chr11-47342142-C-T. GRCh37 (hg19) VCF-style: chr11-47363693-C-T.
Other names: short protein forms V547M.
Identifiers: ClinVar variation 1718341 (VCV001718341.6), dbSNP rs752523427, ClinGen allele CA078253.

ClinVar aggregate classification (germline): Uncertain significance. Review status: criteria provided, multiple submitters, no conflicts (2 of 4 stars). 2 submissions from 2 submitters: Uncertain significance (2). Last evaluated 2025-03-20.

Conditions:
Hypertrophic cardiomyopathy. Also called: HYPERTROPHIC MYOCARDIOPATHY. Identifiers: Orphanet 217569, MedGen C0007194, MeSH D002312, MONDO:0005045, HP:0001639.

Allele frequency attached by ClinVar (database versions not stated): gnomAD exomes below 0.00001; ExAC 0.00001.

Submissions (2):

Labcorp Genetics (formerly Invitae), Labcorp
Classification: Uncertain significance for Hypertrophic cardiomyopathy. Last evaluated: 2025-03-20. Review status: criteria provided, single submitter. Criteria: Invitae Variant Classification Sherloc (09022015). Collection method: clinical testing. Allele origin: germline.
Comment: This sequence change replaces valine, which is neutral and non-polar, with methionine, which is neutral and non-polar, at codon 547 of the MYBPC3 protein (p.Val547Met). This variant is present in population databases (rs752523427, gnomAD 0.006%). This variant has not been reported in the literature in individuals affected with MYBPC3-related conditions. ClinVar contains an entry for this variant (Variation ID: 1718341). An algorithm developed to predict the effect of missense changes on protein structure and function (PolyPhen-2) suggests that this variant is likely to be disruptive. In summary, the available evidence is currently insufficient to determine the role of this variant in disease. Therefore, it has been classified as a Variant of Uncertain Significance.

All of Us Research Program, National Institutes of Health
Classification: Uncertain significance for Hypertrophic cardiomyopathy. Last evaluated: 2024-08-13. Review status: criteria provided, single submitter. Criteria: ACMG Guidelines, 2015. Collection method: clinical testing. Allele origin: germline. Inheritance: Autosomal dominant inheritance. Observed: 1 variant allele, 1 heterozygote.
Comment: This missense variant replaces valine with methionine at codon 547 of the MYBPC3 protein. Computational prediction tools indicate that this variant has a deleterious impact on protein structure and function. To our knowledge, functional studies have not been reported for this variant. This variant has not been reported in individuals affected with MYBPC3-related disorders in the literature. This variant has been identified in 1/248854 chromosomes in the general population by the Genome Aggregation Database (gnomAD). The available evidence is insufficient to determine the role of this variant in disease conclusively. Therefore, this variant is classified as a Variant of Uncertain Significance.

This study involves interpretation of variants in research participants for the purpose of population health screening. Participant phenotype was not available at the time of variant classification. Additional details can be found in publication PMID: 35346344, PMCID: PMC8962531